The following is an entry in ClinVar:

NM_001693.4(ATP6V1B2):c.1121A>G (p.Glu374Gly)

Gene: ATP6V1B2 (ATPase H+ transporting V1 subunit B2; plus strand). Cytogenetic location: 8p21.3.
Variant type: single nucleotide variant.
Coding change: c.1121A>G on transcript NM_001693.4 (MANE Select); coding-DNA position 1121, A replaced by G.
Protein change: p.Glu374Gly; replaces glutamic acid 374 with glycine.
Molecular consequence: missense variant.
Genome position (GRCh38, 1-based): chr8:20,216,455, A>G. VCF-style: chr8-20216455-A-G. GRCh37 (hg19) VCF-style: chr8-20073966-A-G.
Other names: short protein forms E374G.
Identifiers: ClinVar variation 1334193 (VCV001334193.2), dbSNP rs2128886555, ClinGen allele CA370473150.
Genomic context (GRCh38, chr8:20,216,455, plus strand): 5'-ACTGTCTTCCTCTGGTAGATATCACTCACCCCATCCCAGACTTGACTGGCTACATTACAG[A>G]GGGGCAGATCTATGTGGACAGACAGCTGCACAACAGACAGGTACTGGACGGGAGCAGTGC-3'
Protein context (NP_001684.2, residues 364-384): PIPDLTGYIT[Glu374Gly]GQIYVDRQLH

ClinVar aggregate classification (germline): Pathogenic. Review status: criteria provided, single submitter (1 of 4 stars). 2 submissions from 1 submitter: Pathogenic (2). Last evaluated 2022-01-18.

Conditions:
Zimmermann-Laband syndrome 2 (ZLS2). Identifiers: Orphanet 3473, MedGen C4225321, MONDO:0014646, OMIM 616455.
ATP6V1B2 related neurodevelopmental disorders.

Submissions (2):

Laboratory of Medical Genetics, National & Kapodistrian University of Athens
Classification: Pathogenic for ATP6V1B2 related neurodevelopmental disorders. Last evaluated: 2022-01-18. Review status: criteria provided, single submitter. Criteria: ('ACMG Guidelines, 2015. Collection method: clinical testing. Allele origin: de novo. Inheritance: Autosomal dominant inheritance. Affected: yes. Observed: 1 heterozygote.

Laboratory of Medical Genetics, National & Kapodistrian University of Athens
Classification: Pathogenic for Zimmermann-Laband syndrome 2. Last evaluated: 2021-10-19. Review status: criteria provided, single submitter. Criteria: ACMG Guidelines, 2015. Collection method: clinical testing. Allele origin: germline. Affected: yes.
Comment: PS2, PM2, PM5, PP2, PP3